The following is an entry in ClinVar:

ClinVar aggregate classification (germline): Conflicting classifications of pathogenicity. Review status: criteria provided, conflicting classifications (1 of 4 stars). 2 submissions from 2 submitters: Uncertain significance (1); Likely benign (1). Last evaluated 2025-12-11.

Conditions:
Malignant hyperthermia, susceptibility to, 5 (MHS5). Also called: CACNA1S-Related Malignant Hyperthermia Susceptibility. Identifiers: Orphanet 423, MedGen C1866077, MONDO:0011163, OMIM 601887.
Hypokalemic periodic paralysis, type 1. Also called: HypoPP; Hypokalemic Periodic Paralysis Type 1 (AD). Identifiers: Orphanet 681, MedGen C3714580, MONDO:0042979, OMIM 170400.

Allele frequency attached by ClinVar (database versions not stated): gnomAD exomes below 0.00001; gnomAD 0.00001.
gnomAD v4.1: 7 of 1,614,076 alleles (0.00043%); highest among the groups gnomAD compares: African/African-American, 0.004%; no homozygotes.

Submissions (2):

Labcorp Genetics (formerly Invitae), Labcorp
Classification: Likely benign for Hypokalemic periodic paralysis, type 1; Malignant hyperthermia, susceptibility to, 5. Last evaluated: 2025-12-11. Review status: criteria provided, single submitter. Criteria: Invitae Variant Classification Sherloc (09022015). Collection method: clinical testing. Allele origin: germline.

Color Diagnostics, LLC DBA Color Health
Classification: Uncertain significance for Malignant hyperthermia, susceptibility to, 5. Last evaluated: 2025-07-15. Review status: criteria provided, single submitter. Criteria: ACMG Guidelines, 2015. Collection method: clinical testing. Allele origin: germline.
Comment: This missense variant replaces serine with leucine at codon 98 of the CACNA1S protein. Computational prediction is inconclusive regarding the impact of this variant on protein structure and function. To our knowledge, functional studies have not been reported for this variant. This variant has not been reported in individuals affected with CACNA1S-related disorders in the literature. This variant has been identified in 2/31398 chromosomes in the general population by the Genome Aggregation Database (gnomAD). The available evidence is insufficient to determine the role of this variant in disease conclusively. Therefore, this variant is classified as a Variant of Uncertain Significance.

NM_000069.3(CACNA1S):c.293C>T (p.Ser98Leu)

Gene: CACNA1S (calcium voltage-gated channel subunit alpha1 S; minus strand). Cytogenetic location: 1q32.1.
Variant type: single nucleotide variant.
Coding change: c.293C>T on transcript NM_000069.3 (MANE Select); coding-DNA position 293, C replaced by T.
Protein change: p.Ser98Leu; replaces serine 98 with leucine.
Molecular consequence: missense variant.
Genome position (GRCh38, 1-based): chr1:201,093,987, G>A on the plus strand (C>T on the coding strand, the complement: CACNA1S is on the minus strand). VCF-style: chr1-201093987-G-A. GRCh37 (hg19) VCF-style: chr1-201063115-G-A.
Other names: short protein forms S98L.
Identifiers: ClinVar variation 2775019 (VCV002775019.4), dbSNP rs1310029541, ClinGen allele CA344145692.